The following is an entry in ClinVar:

ClinVar aggregate classification (germline): Uncertain significance (1 of 4 stars; one submission).

Submission:

GeneDx
Classification: Uncertain significance. Last evaluated: 2025-08-06. Review status: criteria provided, single submitter. Criteria: GeneDx Variant Classification Process June 2021. Collection method: clinical testing. Allele origin: germline. Affected: yes.
Comment: Not observed at significant frequency in large population cohorts (gnomAD); In silico analysis supports that this missense variant has a deleterious effect on protein structure/function; Has not been previously published as pathogenic or benign to our knowledge

NM_020987.5(ANK3):c.861G>T (p.Leu287Phe)

Gene: ANK3 (ankyrin 3; minus strand). Cytogenetic location: 10q21.2.
Variant type: single nucleotide variant.
Coding change: c.861G>T on transcript NM_020987.5 (MANE Select); coding-DNA position 861, G replaced by T.
Protein change: p.Leu287Phe; replaces leucine 287 with phenylalanine.
Molecular consequence: missense variant.
Genome position (GRCh38, 1-based): chr10:60,234,724, C>A on the plus strand (G>T on the coding strand, the complement: ANK3 is on the minus strand). VCF-style: chr10-60234724-C-A. GRCh37 (hg19) VCF-style: chr10-61994482-C-A.
Other names: c.843G>T, p.Leu281Phe (NM_001204403.2); c.810G>T, p.Leu270Phe (NM_001204404.2); c.861G>T, p.Leu287Phe (NM_001320874.2); short protein forms L270F, L281F, L287F.
Identifiers: ClinVar variation 4756094 (VCV004756094.1).